The following is an entry in ClinVar:

ClinVar aggregate classification (germline): Likely benign. Review status: criteria provided, single submitter (1 of 4 stars). 3 submissions from 3 submitters: Likely benign (1). 2 of the submissions do not count toward it. Last evaluated 2025-03-29.

Conditions:
Salla disease (SD). Also called: Sialuria, Finnish type; N-acetylneuraminic acid (NANA) storage disease (NSD); Infantile sialic acid storage disorder (ISSD); Less Severe FSASD (Salla Disease). Identifiers: Orphanet 309334, Orphanet 834, MedGen C1096903, MONDO:0011449, OMIM 604369.
SLC17A5-related disorder. Also called: SLC17A5-related condition; SLC17A5-related disorders.

Allele frequency attached by ClinVar (database versions not stated): gnomAD exomes 0.00003 and 0.00005; ExAC 0.00006; ESP Exome Variant Server 0.00023; TOPMed 0.00028; gnomAD 0.00029 and 0.00031.
gnomAD v4.1: 92 of 1,613,902 alleles (0.0057%); highest among the groups gnomAD compares: African/African-American, 0.096%; no homozygotes.

Submissions (3):

Labcorp Genetics (formerly Invitae), Labcorp
Classification: Likely benign for Salla disease. Last evaluated: 2025-03-29. Review status: criteria provided, single submitter. Criteria: Invitae Variant Classification Sherloc (09022015). Collection method: clinical testing. Allele origin: germline.

Natera, Inc.
Classification: Uncertain significance for Salla disease. Last evaluated: 2020-03-11. Review status: no assertion criteria provided. Collection method: clinical testing. Allele origin: germline. Not counted in ClinVar's aggregate classification.

PreventionGenetics, part of Exact Sciences
Classification: Likely benign for SLC17A5-related condition. Last evaluated: 2019-05-22. Review status: no assertion criteria provided. Collection method: clinical testing. Allele origin: germline. Not counted in ClinVar's aggregate classification.
Comment: This variant is classified as likely benign based on ACMG/AMP sequence variant interpretation guidelines (Richards et al. 2015 PMID: 25741868, with internal and published modifications).

NM_012434.5(SLC17A5):c.1059G>A (p.Arg353=)

Gene: SLC17A5 (solute carrier family 17 member 5; minus strand). Cytogenetic location: 6q13.
Variant type: single nucleotide variant.
Coding change: c.1059G>A on transcript NM_012434.5 (MANE Select); coding-DNA position 1059, G replaced by A.
Protein change: p.Arg353=; no amino-acid change (arginine 353 retained).
Molecular consequence: synonymous variant.
Genome position (GRCh38, 1-based): chr6:73,615,367, C>T on the plus strand (G>A on the coding strand, the complement: SLC17A5 is on the minus strand). VCF-style: chr6-73615367-C-T. GRCh37 (hg19) VCF-style: chr6-74325090-C-T.
Identifiers: ClinVar variation 759229 (VCV000759229.13), dbSNP rs149017456, ClinGen allele CA3890361.